The following is an entry in ClinVar:

ClinVar aggregate classification (germline): Uncertain significance. Review status: criteria provided, multiple submitters, no conflicts (2 of 4 stars). 4 submissions from 4 submitters: Uncertain significance (4). Last evaluated 2026-01-15.

Conditions:
Monogenic diabetes. Identifiers: Orphanet 183625, MedGen C3888631, MONDO:0015967.
Primary dilated cardiomyopathy (DCM). Also called: Dilated Cardiomyopathy. Identifiers: Orphanet 217604, MedGen C0007193, MeSH D002311, MONDO:0005021, HP:0001644. Inheritance: Various modes of inheritance.
Cardiovascular phenotype. Identifiers: MedGen CN230736.
Charcot-Marie-Tooth disease type 2. Also called: Charcot-Marie-Tooth type 2. Identifiers: Orphanet 64746, MedGen C0270914, MONDO:0018993.

Allele frequency attached by ClinVar (database versions not stated): gnomAD 0.00002; gnomAD exomes below 0.00001; TOPMed 0.00002.

Submissions (4):

Labcorp Genetics (formerly Invitae), Labcorp
Classification: Uncertain significance for Charcot-Marie-Tooth disease type 2. Last evaluated: 2026-01-15. Review status: criteria provided, single submitter. Criteria: Invitae Variant Classification Sherloc (09022015). Collection method: clinical testing. Allele origin: germline.
Comment: This sequence change replaces alanine, which is neutral and non-polar, with threonine, which is neutral and polar, at codon 502 of the LMNA protein (p.Ala502Thr). This variant is present in population databases (no rsID available, gnomAD 0.0009%). This missense change has been observed in individual(s) with clinical features of LMNA-related conditions (PMID: 31383942). ClinVar contains an entry for this variant (Variation ID: 917431). Invitae Evidence Modeling of protein sequence and biophysical properties (such as structural, functional, and spatial information, amino acid conservation, physicochemical variation, residue mobility, and thermodynamic stability) indicates that this missense variant is expected to disrupt LMNA protein function with a positive predictive value of 95%. In summary, the available evidence is currently insufficient to determine the role of this variant in disease. Therefore, it has been classified as a Variant of Uncertain Significance.

All of Us Research Program, National Institutes of Health
Classification: Uncertain significance for Primary dilated cardiomyopathy. Last evaluated: 2024-03-05. Review status: criteria provided, single submitter. Criteria: ACMG Guidelines, 2015. Collection method: clinical testing. Allele origin: germline. Inheritance: Autosomal dominant inheritance. Observed: 1 variant allele, 1 heterozygote.
Comment: This study involves interpretation of variants in research participants for the purpose of population health screening. Participant phenotype was not available at the time of variant classification. Additional details can be found in publication PMID: 35346344, PMCID: PMC8962531

Ambry Genetics
Classification: Uncertain significance for Cardiovascular phenotype. Last evaluated: 2024-02-08. Review status: criteria provided, single submitter. Criteria: Ambry Variant Classification Scheme 2023. Collection method: clinical testing. Allele origin: germline.
Comment: The p.A502T variant (also known as c.1504G>A), located in coding exon 9 of the LMNA gene, results from a G to A substitution at nucleotide position 1504. The alanine at codon 502 is replaced by threonine, an amino acid with similar properties. This variant has been detected in an individual with unspecified cardiomyopathy (Park J et al. Genet Med, 2020 Jan;22:102-111). This amino acid position is well conserved in available vertebrate species. In addition, this alteration is predicted to be deleterious by in silico analysis. Based on the available evidence, the clinical significance of this alteration remains unclear.

Personalized Diabetes Medicine Program, University of Maryland School of Medicine
Classification: Uncertain significance for Monogenic diabetes. Last evaluated: 2018-08-12. Review status: criteria provided, single submitter. Criteria: ACMG Guidelines, 2015. Collection method: research. Allele origin: unknown. Observed: 1 variant allele, 1 heterozygote.
Comment: ACMG criteria: PP3 (REVEL 0.818 +10 predictors), PM2 (1 in gnomAD), BP5 (alternate cause)=VUS

Literature cited by the submitters: PubMed 31383942 (cited by Labcorp Genetics (formerly Invitae), Labcorp and Ambry Genetics).

NM_170707.4(LMNA):c.1504G>A (p.Ala502Thr)

Gene: LMNA (lamin A/C; plus strand). Cytogenetic location: 1q22.
Variant type: single nucleotide variant.
Coding change: c.1504G>A on transcript NM_170707.4 (MANE Select); coding-DNA position 1504, G replaced by A.
Protein change: p.Ala502Thr; replaces alanine 502 with threonine.
Molecular consequence: missense variant.
Genome position (GRCh38, 1-based): chr1:156,137,128, G>A. VCF-style: chr1-156137128-G-A. GRCh37 (hg19) VCF-style: chr1-156106919-G-A.
Other names: c.1168G>A, p.Ala390Thr (NM_001257374.3); c.1261G>A, p.Ala421Thr (NM_001282624.2); c.1504G>A, p.Ala502Thr (NM_001282625.2, NM_001282626.2, NM_005572.4 and 1 more transcripts); c.1504G>A (NM_170707.2); short protein forms A390T, A421T, A502T.
Identifiers: ClinVar variation 917431 (VCV000917431.8), dbSNP rs1215424724, ClinGen allele CA342823023.
Genomic context (GRCh38, chr1:156,137,128, plus strand): 5'-GTGGCGATGGGAGCGCTGGGGTAAGTGTCCTTTTCTCCTCTCCAGATCTGGGCTGCAGGA[G>A]CTGGGGCCACCCACAGCCCCCCTACCGACCTGGTGTGGAAGGCACAGAACACCTGGGGCT-3'
Protein context (NP_733821.1, residues 492-512): GQVVTIWAAG[Ala502Thr]GATHSPPTDL